The following is an entry in ClinVar:

ClinVar aggregate classification (germline): Benign (1 of 4 stars; one submission).

Allele frequency attached by ClinVar (database versions not stated): 1000 Genomes Project 30x 0.38726; 1000 Genomes Project 0.38998; TOPMed 0.40134; gnomAD 0.41243 and 0.41412.
gnomAD v4.1: 63,073 of 152,112 alleles (41%); highest among the groups gnomAD compares: East Asian, 54%; 14,037 homozygotes.

Submission:

GeneDx
Classification: Benign. Last evaluated: 2018-06-14. Review status: criteria provided, single submitter. Criteria: GeneDx Variant Classification (06012015). Collection method: clinical testing. Allele origin: germline. Affected: yes.
Comment: This variant is considered likely benign or benign based on one or more of the following criteria: it is a conservative change, it occurs at a poorly conserved position in the protein, it is predicted to be benign by multiple in silico algorithms, and/or has population frequency not consistent with disease.

NM_000053.4(ATP7B):c.1285+287G>A

Gene: ATP7B (ATPase copper transporting beta; minus strand). Cytogenetic location: 13q14.3.
Variant type: single nucleotide variant.
Coding change: c.1285+287G>A on transcript NM_000053.4 (MANE Select); 287 bases into the intron after coding-DNA position 1285, G replaced by A.
Molecular consequence: intron variant.
Genome position (GRCh38, 1-based): chr13:51,973,648, C>T on the plus strand (G>A on the coding strand, the complement: ATP7B is on the minus strand). VCF-style: chr13-51973648-C-T. GRCh37 (hg19) VCF-style: chr13-52547784-C-T.
Other names: c.952+287G>A (NM_001243182.2); c.1285+287G>A (NM_001005918.3, NM_001330579.2, NM_001330578.2).
Identifiers: ClinVar variation 680477 (VCV000680477.1), dbSNP rs1951922, ClinGen allele CA13831192.